The following is an entry in ClinVar:

ClinVar aggregate classification (germline): Uncertain significance (1 of 4 stars; one submission).

Conditions:
Agammaglobulinemia 3, autosomal recessive (AGM3). Also called: AGAMMAGLOBULINEMIA 3; AGAMMAGLOBULINEMIA, AUTOSOMAL RECESSIVE, DUE TO CD79A DEFECT. Identifiers: MedGen C3150751, MONDO:0013288, OMIM 613501.

Allele frequency attached by ClinVar (database versions not stated): gnomAD exomes below 0.00001.
gnomAD v4.1: 5 of 1,612,394 alleles (0.00031%); highest among the groups gnomAD compares: South Asian, 0.0011%; no homozygotes.

Submission:

Labcorp Genetics (formerly Invitae), Labcorp
Classification: Uncertain significance for Agammaglobulinemia 3, autosomal recessive. Last evaluated: 2019-01-29. Review status: criteria provided, single submitter. Criteria: Invitae Variant Classification Sherloc (09022015). Collection method: clinical testing. Allele origin: germline.
Comment: This variant has not been reported in the literature in individuals with CD79A-related conditions. In summary, the available evidence is currently insufficient to determine the role of this variant in disease. Therefore, it has been classified as a Variant of Uncertain Significance. Algorithms developed to predict the effect of missense changes on protein structure and function are either unavailable or do not agree on the potential impact of this missense change (SIFT: "Deleterious"; PolyPhen-2: "Probably Damaging"; Align-GVGD: "Class C0"). This variant is not present in population databases (ExAC no frequency). This sequence change replaces glutamic acid with lysine at codon 148 of the CD79A protein (p.Glu148Lys). The glutamic acid residue is highly conserved and there is a small physicochemical difference between glutamic acid and lysine.

NM_001783.4(CD79A):c.442G>A (p.Glu148Lys)

Genes: CD79A (CD79a molecule; plus strand), RPS19-CD79A (RPS19-CD79A readthrough; plus strand). Cytogenetic location: 19q13.2.
Variant type: single nucleotide variant.
Coding change: c.442G>A on transcript NM_001783.4 (MANE Select); coding-DNA position 442, G replaced by A.
Protein change: p.Glu148Lys; replaces glutamic acid 148 with lysine.
Molecular consequence: missense variant.
Genome position (GRCh38, 1-based): chr19:41,879,597, G>A. VCF-style: chr19-41879597-G-A. GRCh37 (hg19) VCF-style: chr19-42383667-G-A.
Other names: c.328G>A, p.Glu110Lys (NM_021601.4); short protein forms E148K, E110K.
Identifiers: ClinVar variation 835044 (VCV000835044.9), dbSNP rs2074209426, ClinGen allele CA406036485.
Genomic context (GRCh38, chr19:41,879,597, plus strand): 5'-CCGCCCCCCAGGCCCTTCCTGGACATGGGGGAGGGCACCAAGAACCGAATCATCACAGCC[G>A]AGGGGATCATCCTCCTGTTCTGCGCGGTGGTGCCTGGGACGCTGCTGCTGTTCAGGGTGA-3'
Protein context (NP_001774.1, residues 138-158): EGTKNRIITA[Glu148Lys]GIILLFCAVV